The following is an entry in ClinVar:

ClinVar aggregate classification (germline): Uncertain significance. Review status: criteria provided, multiple submitters, no conflicts (2 of 4 stars). 2 submissions from 2 submitters: Uncertain significance (2). Last evaluated 2024-04-16.

Submissions (2):

GeneDx
Classification: Uncertain significance. Last evaluated: 2024-04-16. Review status: criteria provided, single submitter. Criteria: GeneDx Variant Classification Process June 2021. Collection method: clinical testing. Allele origin: germline. Affected: yes.
Comment: Frameshift variant predicted to result in protein truncation or nonsense mediated decay in a gene for which loss of function is a known mechanism of disease; Has not been previously published as pathogenic or benign to our knowledge

Women's Health and Genetics/Laboratory Corporation of America, LabCorp
Classification: Uncertain significance. Last evaluated: 2024-01-23. Review status: criteria provided, single submitter. Criteria: LabCorp Variant Classification Summary - May 2015. Collection method: clinical testing. Allele origin: germline.
Comment: Variant summary: OBSL1 c.2826dupC (p.Ala943ArgfsX29) results in a premature termination codon, predicted to cause a truncation of the encoded protein, however the significiance of variants in this region is unclear. The variant allele was found at a frequency of 6.8e-05 in 249460 control chromosomes, predominantly at a frequency of 0.00049 within the Latino subpopulation in the gnomAD database. This frequency is not significantly higher than estimated for a pathogenic variant in OBSL1 causing Three M Syndrome 2 (6.8e-05 vs 0.0011), allowing no conclusion about variant significance. To our knowledge, no occurrence of c.2826dupC in individuals affected with Three M Syndrome 2 and no experimental evidence demonstrating its impact on protein function have been reported. ClinVar contains an entry for this variant (Variation ID: 632349). Based on the evidence outlined above, the variant was classified as uncertain significance.

NM_015311.3(OBSL1):c.2826dup (p.Ala943fs)

Gene: OBSL1 (obscurin like cytoskeletal adaptor 1; minus strand). Cytogenetic location: 2q35.
Variant type: Duplication.
Coding change: c.2826dup on transcript NM_015311.3 (MANE Select); coding-DNA position 2826, one base duplicated (C; older notation c.2826dupC).
Protein change: p.Ala943fs; shifts the reading frame from alanine 943.
Molecular consequence: frameshift variant.
Genome position (GRCh38, 1-based): chr2:219,562,529, G duplicated on the plus strand (C on the coding strand, the reverse complement: OBSL1 is on the minus strand); the first of 4 consecutive G bases (chr2:219,562,529-219,562,532); duplicating any one gives the same sequence. VCF-style (leftmost placement, unchanged base first): chr2-219562528-C-CG. GRCh37 (hg19) VCF-style: chr2-220427250-C-CG.
Other names: c.2826dup, p.Ala943fs (NM_001173408.2, NM_001173431.2); c.2826dupC (NM_015311.3); c.2826dup (NM_015311.2); short protein forms A943fs.
Identifiers: ClinVar variation 632349 (VCV000632349.7), dbSNP rs759648512, ClinGen allele CA2131084.